The following is an entry in ClinVar:

NM_005993.5(TBCD):c.3285del (p.Cys1096fs)

Gene: TBCD (tubulin folding cofactor D). Cytogenetic location: 17q25.3.
Variant type: Deletion.
Coding change: c.3285del on transcript NM_005993.5 (MANE Select); coding-DNA position 3285, one base deleted.
Protein change: p.Cys1096fs; shifts the reading frame from cysteine 1096.
Molecular consequence: frameshift variant.
Genome position: GRCh38 VCF-style: chr17-82938051-TC-T. GRCh37 (hg19) VCF-style: chr17-80895927-TC-T.
Other names: c.3234del, p.Cys1079fs (NM_001411101.1); c.3204del, p.Cys1069fs (NM_001411102.1); short protein forms C1079fs, C1069fs, C1096fs.
Identifiers: ClinVar variation 2783002 (VCV002783002.3), dbSNP rs2510892439, ClinGen allele CA2640726460.

ClinVar aggregate classification (germline): Pathogenic (1 of 4 stars; one submission).

Allele frequency attached by ClinVar (database versions not stated): gnomAD exomes 0.00001.

Submission:

Labcorp Genetics (formerly Invitae), Labcorp
Classification: Pathogenic. Last evaluated: 2023-10-12. Review status: criteria provided, single submitter. Criteria: Invitae Variant Classification Sherloc (09022015). Collection method: clinical testing. Allele origin: germline.
Comment: This sequence change creates a premature translational stop signal (p.Cys1096Alafs*10) in the TBCD gene. It is expected to result in an absent or disrupted protein product. Loss-of-function variants in TBCD are known to be pathogenic (PMID: 27666370, 27666374). This variant is not present in population databases (gnomAD no frequency). This variant has not been reported in the literature in individuals affected with TBCD-related conditions. For these reasons, this variant has been classified as Pathogenic.

Literature cited by the submitters: PubMed 27666370; PubMed 27666374.